The following is an entry in ClinVar:

ClinVar aggregate classification (germline): Benign/Likely benign. Review status: criteria provided, multiple submitters, no conflicts (2 of 4 stars). 7 submissions from 7 submitters: Benign (3); Likely benign (4). Last evaluated 2026-07-01.

Conditions:
Inborn genetic diseases. Identifiers: MedGen C0950123, MeSH D030342.
Landau-Kleffner syndrome (FESD). Also called: APHASIA, ACQUIRED, WITH EPILEPSY; EPILEPSY, FOCAL, WITH SPEECH DISORDER AND WITH OR WITHOUT MENTAL RETARDATION. Identifiers: Orphanet 1945, Orphanet 725, Orphanet 98818, MedGen C0282512, MONDO:0009509, OMIM 245570.

Allele frequency attached by ClinVar (database versions not stated): gnomAD 0.00150; TOPMed 0.00199; ESP Exome Variant Server 0.00208; 1000 Genomes Project 30x 0.00219; 1000 Genomes Project 0.00280.
gnomAD v4.1: 512 of 1,614,022 alleles (0.032%); highest among the groups gnomAD compares: African/African-American, 0.52%; 1 homozygote.

Submissions (7):

CeGaT Center for Human Genetics Tuebingen
Classification: Likely benign. Last evaluated: 2026-07-01. Review status: criteria provided, single submitter. Criteria: CeGaT Center For Human Genetics Tuebingen Variant Classification Criteria Version 2. Collection method: clinical testing. Allele origin: germline. Affected: yes. Observed: 3 variant alleles.
Comment: GRIN2A: BP4, BS1

Labcorp Genetics (formerly Invitae), Labcorp
Classification: Benign for Landau-Kleffner syndrome. Last evaluated: 2026-02-03. Review status: criteria provided, single submitter. Criteria: Invitae Variant Classification Sherloc (09022015). Collection method: clinical testing. Allele origin: germline.

Blueprint Genetics
Classification: Likely benign. Last evaluated: 2024-11-27. Review status: criteria provided, single submitter. Criteria: ACMG Guidelines, 2015. Collection method: clinical testing. Allele origin: germline.

Eurofins Ntd Llc (ga)
Classification: Benign. Last evaluated: 2018-08-16. Review status: criteria provided, single submitter. Criteria: EGL ClinVar v180209 classification definitions. Collection method: clinical testing. Allele origin: germline. Observed: 1 variant allele, 1 heterozygote.

Ambry Genetics
Classification: Likely benign for Inborn genetic diseases. Last evaluated: 2017-02-10. Review status: criteria provided, single submitter. Criteria: Ambry Variant Classification Scheme 2023. Collection method: clinical testing. Allele origin: germline.

GeneDx
Classification: Benign. Last evaluated: 2014-03-27. Review status: criteria provided, single submitter. Criteria: GeneDx Variant Classification (06012015). Collection method: clinical testing. Allele origin: germline. Affected: yes.
Comment: This variant is considered likely benign or benign based on one or more of the following criteria: it is a conservative change, it occurs at a poorly conserved position in the protein, it is predicted to be benign by multiple in silico algorithms, and/or has population frequency not consistent with disease.

Breakthrough Genomics
Classification: Likely benign. Review status: criteria provided, single submitter. Criteria: ACMG Guidelines, 2015. Collection method: not provided. Allele origin: germline. Inheritance: Autosomal dominant inheritance. Affected: yes.

NM_001134407.3(GRIN2A):c.1251C>T (p.Val417=)

Gene: GRIN2A (glutamate ionotropic receptor NMDA type subunit 2A; minus strand). Cytogenetic location: 16p13.2.
Variant type: single nucleotide variant.
Coding change: c.1251C>T on transcript NM_001134407.3 (MANE Select); coding-DNA position 1251, C replaced by T.
Protein change: p.Val417=; no amino-acid change (valine 417 retained).
Molecular consequence: synonymous variant.
Genome position (GRCh38, 1-based): chr16:9,849,833, G>A on the plus strand (C>T on the coding strand, the complement: GRIN2A is on the minus strand). VCF-style: chr16-9849833-G-A. GRCh37 (hg19) VCF-style: chr16-9943690-G-A.
Other names: p.V417V:GTC>GTT; c.1251C>T, p.Val417= (NM_000833.5, NM_001134408.2).
Identifiers: ClinVar variation 137508 (VCV000137508.44), dbSNP rs139329447, ClinGen allele CA291117.